The following is an entry in ClinVar:

NM_000719.7(CACNA1C):c.4232+5G>T

Gene: CACNA1C (calcium voltage-gated channel subunit alpha1 C; plus strand). Cytogenetic location: 12p13.33.
Variant type: single nucleotide variant.
Coding change: c.4232+5G>T on transcript NM_000719.7 (MANE Select); 5 bases into the intron after coding-DNA position 4232, G replaced by T.
Molecular consequence: intron variant.
Genome position (GRCh38, 1-based): chr12:2,655,243, G>T. VCF-style: chr12-2655243-G-T. GRCh37 (hg19) VCF-style: chr12-2764409-G-T.
Other names: c.4232+5G>T (NM_001167624.3, NM_001167623.2, NM_001129840.2 and 7 more transcripts); c.4199+5G>T (NM_001167625.2, NM_001129837.2, NM_001129838.2 and 1 more transcripts); c.4376+5G>T (NM_199460.4, NM_001129827.2); c.4292+5G>T (NM_001129832.2); c.4316+5G>T (NM_001129831.2); c.4298+5G>T (NM_001129829.2); c.4193+5G>T (NM_001129839.2); c.4283+5G>T (NM_001129836.2); and 1 more.
Identifiers: ClinVar variation 3262708 (VCV003262708.1).

ClinVar aggregate classification (germline): Uncertain significance (1 of 4 stars; one submission).

Conditions:
Cardiovascular phenotype. Identifiers: MedGen CN230736.

Submission:

Ambry Genetics
Classification: Uncertain significance for Cardiovascular phenotype. Last evaluated: 2024-06-24. Review status: criteria provided, single submitter. Criteria: Ambry Variant Classification Scheme 2023. Collection method: clinical testing. Allele origin: germline.
Comment: The c.4232+5G>T intronic variant results from a G to T substitution 5 nucleotides after coding exon 34 in the CACNA1C gene. This nucleotide position is highly conserved in available vertebrate species. In silico splice site analysis predicts that this alteration may weaken the native splice donor site and will result in the creation or strengthening of a novel splice donor site. Based on the available evidence, the clinical significance of this variant remains unclear.